The following is an entry in ClinVar:

ClinVar aggregate classification (germline): Uncertain significance (1 of 4 stars; one submission).

gnomAD v4.1: 9 of 1,612,878 alleles (0.00056%); highest among the groups gnomAD compares: African/African-American, 0.0027%; no homozygotes.

Submission:

Labcorp Genetics (formerly Invitae), Labcorp
Classification: Uncertain significance. Last evaluated: 2020-01-21. Review status: criteria provided, single submitter. Criteria: Invitae Variant Classification Sherloc (09022015). Collection method: clinical testing. Allele origin: germline.
Comment: In summary, the available evidence is currently insufficient to determine the role of this variant in disease. Therefore, it has been classified as a Variant of Uncertain Significance. Algorithms developed to predict the effect of missense changes on protein structure and function (SIFT, PolyPhen-2, Align-GVGD) all suggest that this variant is likely to be tolerated, but these predictions have not been confirmed by published functional studies and their clinical significance is uncertain. This variant has not been reported in the literature in individuals with AGBL5-related conditions. This variant is not present in population databases (ExAC no frequency). This sequence change replaces alanine with threonine at codon 834 of the AGBL5 protein (p.Ala834Thr). The alanine residue is weakly conserved and there is a small physicochemical difference between alanine and threonine.

NM_021831.6(AGBL5):c.2500G>A (p.Ala834Thr)

Gene: AGBL5 (AGBL carboxypeptidase 5; plus strand). Cytogenetic location: 2p23.3.
Variant type: single nucleotide variant.
Coding change: c.2500G>A on transcript NM_021831.6 (MANE Select); coding-DNA position 2500, G replaced by A.
Protein change: p.Ala834Thr; replaces alanine 834 with threonine.
Molecular consequence: missense variant. On other transcripts: non-coding transcript variant (2).
Genome position (GRCh38, 1-based): chr2:27,070,102, G>A. VCF-style: chr2-27070102-G-A. GRCh37 (hg19) VCF-style: chr2-27292970-G-A.
Other names: short protein forms A834T.
Identifiers: ClinVar variation 1064338 (VCV001064338.7), dbSNP rs369204320, ClinGen allele CA346142736.